The following is an entry in ClinVar:

NM_001042472.3(ABHD12):c.191+10C>T

Genes: ABHD12 (abhydrolase domain containing 12, lysophospholipase; minus strand), LOC130065585 (ATAC-STARR-seq lymphoblastoid silent region 12751; plus strand). Cytogenetic location: 20p11.21.
Variant type: single nucleotide variant.
Coding change: c.191+10C>T on transcript NM_001042472.3 (MANE Select); 10 bases into the intron after coding-DNA position 191, C replaced by T.
Molecular consequence: intron variant.
Genome position (GRCh38, 1-based): chr20:25,390,503, G>A on the plus strand (C>T on the coding strand, the complement: ABHD12 is on the minus strand). VCF-style: chr20-25390503-G-A. GRCh37 (hg19) VCF-style: chr20-25371139-G-A.
Other names: c.191+10C>T (NM_001042472.2, NM_015600.5).
Identifiers: ClinVar variation 1150104 (VCV001150104.13), dbSNP rs770190326, ClinGen allele CA9796302.

ClinVar aggregate classification (germline): Likely benign. Review status: criteria provided, multiple submitters, no conflicts (2 of 4 stars). 5 submissions from 5 submitters: Likely benign (5). Last evaluated 2026-06-14.

Conditions:
ABHD12-related disorder. Also called: ABHD12-related condition.

Allele frequency attached by ClinVar (database versions not stated): ExAC 0.00011; gnomAD exomes 0.00014 and 0.00022.

Submissions (5):

Women's Health and Genetics/Laboratory Corporation of America, LabCorp
Classification: Likely benign. Last evaluated: 2026-06-14. Review status: criteria provided, single submitter. Criteria: LabCorp Variant Classification Summary - May 2015. Collection method: clinical testing. Allele origin: germline.

PreventionGenetics, part of Exact Sciences
Classification: Likely benign for ABHD12-related condition. Last evaluated: 2026-01-27. Review status: criteria provided, single submitter. Criteria: ACMG Guidelines, 2015. Collection method: clinical testing. Allele origin: germline.
Comment: This variant is classified as likely benign based on ACMG/AMP sequence variant interpretation guidelines (Richards et al. 2015 PMID: 25741868, with internal and published modifications).

Labcorp Genetics (formerly Invitae), Labcorp
Classification: Likely benign. Last evaluated: 2025-11-13. Review status: criteria provided, single submitter. Criteria: Invitae Variant Classification Sherloc (09022015). Collection method: clinical testing. Allele origin: germline.

Blueprint Genetics
Classification: Likely benign. Last evaluated: 2024-11-28. Review status: criteria provided, single submitter. Criteria: ACMG Guidelines, 2015. Collection method: clinical testing. Allele origin: germline.

Breakthrough Genomics
Classification: Likely benign. Review status: criteria provided, single submitter. Criteria: ACMG Guidelines, 2015. Collection method: not provided. Allele origin: germline. Inheritance: Autosomal recessive inheritance. Affected: yes.